The following is an entry in ClinVar:

ClinVar aggregate classification (germline): Uncertain significance (3 of 4 stars; one submission).

Conditions:
Glanzmann thrombasthenia. Also called: PLATELET GLYCOPROTEIN IIb-IIIa DEFICIENCY; BLEEDING DISORDER, PLATELET-TYPE, 2; THROMBASTHENIA OF GLANZMANN AND NAEGELI; Thrombasthenia; Glanzmann's thrombasthenia. Identifiers: Orphanet 849, MedGen C0040015, MONDO:0100326.

Submission:

ClinGen Platelet Disorders Variant Curation Expert Panel, ClinGen
Classification: Uncertain significance for Glanzmann thrombasthenia. Last evaluated: 2025-06-19. Review status: reviewed by expert panel. Criteria: ClinGen Platelet ACMG Specifications v2-1. Collection method: curation. Allele origin: germline. Inheritance: Autosomal recessive inheritance.
Comment: The NM_000212.3(ITGB3):c.1955A>T (p.His652Leu) missense variant has been reported homozygous in two affected siblings (Ssyl and Ssab in PMID: 11798398; PM3_supporting; PP1). This variant is absent from gnomAD v4.1 (PM2_Supporting). In summary, this variant meets the criteria to be classified as uncertain significance for autosomal recessive Glanzmann Thrombasthenia based on the ACMG/AMP criteria applied, as specified by the ClinGen PD VCEP: PP1, PM2_supporting, PM3_supporting.

NM_000212.3(ITGB3):c.1955A>T (p.His652Leu)

Gene: ITGB3 (integrin subunit beta 3; plus strand). Cytogenetic location: 17q21.32.
Variant type: single nucleotide variant.
Coding change: c.1955A>T on transcript NM_000212.3 (MANE Select); coding-DNA position 1955, A replaced by T.
Protein change: p.His652Leu; replaces histidine 652 with leucine.
Molecular consequence: missense variant.
Genome position (GRCh38, 1-based): chr17:47,300,519, A>T. VCF-style: chr17-47300519-A-T. GRCh37 (hg19) VCF-style: chr17-45377885-A-T.
Other names: NM_000212.3:c.1955A>T; short protein forms H652L.
Identifiers: ClinVar variation 1879022 (VCV001879022.2), dbSNP rs780437458, ClinGen allele CA400032927.